The following is an entry in ClinVar:

ClinVar aggregate classification (germline): Conflicting classifications of pathogenicity. Review status: criteria provided, conflicting classifications (1 of 4 stars). 7 submissions from 7 submitters: Uncertain significance (5); Likely benign (1). 1 of the submissions does not count toward it. Last evaluated 2026-01-16.

Conditions:
Inborn genetic diseases. Identifiers: MedGen C0950123, MeSH D030342.
Pyridoxine-dependent epilepsy (EPEO4). Also called: PYRIDOXINE DEPENDENCY WITH SEIZURES; Pyridoxine-Dependent Seizures; EPILEPSY, EARLY-ONSET, 4, VITAMIN B6-DEPENDENT; Pyridoxine-Dependent Epilepsy - ALDH7A1. Identifiers: Orphanet 3006, MedGen C1849508, MONDO:0009945, OMIM 266100. Disease mechanism: loss of function.
Intellectual disability. Also called: Intellectual functioning disability; intellectual disabilities; Intellectual developmental disorder. Identifiers: MedGen C3714756, MeSH D008607, MONDO:0001071, HP:0001249.

Allele frequency attached by ClinVar (database versions not stated): ESP Exome Variant Server 0.00023; TOPMed 0.00028; gnomAD exomes 0.00051 and 0.00063; ExAC 0.00068; gnomAD 0.00118.
gnomAD v4.1: 817 of 1,612,490 alleles (0.051%); highest among the groups gnomAD compares: Non-Finnish European, 0.054%; no homozygotes.

Submissions (7):

Labcorp Genetics (formerly Invitae), Labcorp
Classification: Likely benign for Pyridoxine-dependent epilepsy. Last evaluated: 2026-01-16. Review status: criteria provided, single submitter. Criteria: Invitae Variant Classification Sherloc (09022015). Collection method: clinical testing. Allele origin: germline.

CeGaT Center for Human Genetics Tuebingen
Classification: Uncertain significance. Last evaluated: 2025-07-01. Review status: criteria provided, single submitter. Criteria: CeGaT Center For Human Genetics Tuebingen Variant Classification Criteria Version 2. Collection method: clinical testing. Allele origin: germline. Affected: yes. Observed: 1 variant allele.

GeneDx
Classification: Uncertain significance. Last evaluated: 2025-01-24. Review status: criteria provided, single submitter. Criteria: GeneDx Variant Classification Process June 2021. Collection method: clinical testing. Allele origin: germline. Affected: yes.
Comment: In silico analysis supports that this missense variant has a deleterious effect on protein structure/function; This variant is associated with the following publications: (PMID: 32956737, 37393059, 30043187)

Women's Health and Genetics/Laboratory Corporation of America, LabCorp
Classification: Uncertain significance. Last evaluated: 2024-09-09. Review status: criteria provided, single submitter. Criteria: LabCorp Variant Classification Summary - May 2015. Collection method: clinical testing. Allele origin: germline.
Comment: Variant summary: ALDH7A1 c.1406G>A (p.Arg469His) results in a non-conservative amino acid change located in the Aldehyde dehydrogenase domain (IPR015590) of the encoded protein sequence. Three of five in-silico tools predict a benign effect of the variant on protein function. The variant allele was found at a frequency of 0.00063 in 251198 control chromosomes. This frequency is not significantly higher than estimated for a pathogenic variant in ALDH7A1 causing Pyridoxine-Dependent Epilepsy (0.00063 vs 0.0018), allowing no conclusion about variant significance. c.1406G>A has been reported in the literature in a homozygous individual affected with Pyridoxine-Dependent Epilepsy (Coughlin_2019). These data indicate that the variant may be associated with disease. To our knowledge, no experimental evidence demonstrating an impact on protein function has been reported. The following publication have been ascertained in the context of this evaluation (PMID: 30043187). ClinVar contains an entry for this variant (Variation ID: 265034). Based on the evidence outlined above, the variant was classified as VUS-possibly pathogenic.

Ambry Genetics
Classification: Uncertain significance for Inborn genetic diseases. Last evaluated: 2018-07-19. Review status: criteria provided, single submitter. Criteria: Ambry Variant Classification Scheme 2023. Collection method: clinical testing. Allele origin: germline.
Comment: The p.R469H variant (also known as c.1406G>A), located in coding exon 15 of the ALDH7A1 gene, results from a G to A substitution at nucleotide position 1406. The arginine at codon 469 is replaced by histidine, an amino acid with highly similar properties. This amino acid position is well conserved in available vertebrate species. In addition, this alteration is predicted to be tolerated by in silico analysis. Since supporting evidence is limited at this time, the clinical significance of this alteration remains unclear.

Illumina Laboratory Services, Illumina
Classification: Uncertain significance for Pyridoxine-dependent epilepsy. Last evaluated: 2018-01-12. Review status: criteria provided, single submitter. Criteria: ICSL Variant Classification Criteria 13 December 2019. Collection method: clinical testing. Allele origin: germline.

Centre de Biologie Pathologie Génétique, Centre Hospitalier Universitaire de Lille
Classification: Uncertain significance for Intellectual disability. Last evaluated: 2019-01-01. Review status: no assertion criteria provided. Collection method: clinical testing. Allele origin: unknown. Affected: yes. Not counted in ClinVar's aggregate classification.

Literature cited by the submitters: PubMed 30043187 (cited by Women's Health and Genetics/Laboratory Corporation of America, LabCorp).

NM_001182.5(ALDH7A1):c.1406G>A (p.Arg469His)

Gene: ALDH7A1 (aldehyde dehydrogenase 7 family member A1; minus strand). Cytogenetic location: 5q23.2.
Variant type: single nucleotide variant.
Coding change: c.1406G>A on transcript NM_001182.5 (MANE Select); coding-DNA position 1406, G replaced by A.
Protein change: p.Arg469His; replaces arginine 469 with histidine.
Molecular consequence: missense variant.
Genome position (GRCh38, 1-based): chr5:126,550,205, C>T on the plus strand (G>A on the coding strand, the complement: ALDH7A1 is on the minus strand). VCF-style: chr5-126550205-C-T. GRCh37 (hg19) VCF-style: chr5-125885897-C-T.
Other names: c.1322G>A, p.Arg441His (NM_001201377.2); c.1214G>A, p.Arg405His (NM_001202404.2); short protein forms R469H, R441H, R405H.
Identifiers: ClinVar variation 265034 (VCV000265034.32), dbSNP rs147940248, ClinGen allele CA3389431.